The following is an entry in ClinVar:

ClinVar aggregate classification (germline): Benign/Likely benign. Review status: criteria provided, multiple submitters, no conflicts (2 of 4 stars). 11 submissions from 10 submitters: Benign (4); Likely benign (7). Last evaluated 2026-08-01.

Conditions:
Inborn genetic diseases. Identifiers: MedGen C0950123, MeSH D030342.
Spinocerebellar ataxia, autosomal recessive, with axonal neuropathy 2 (SCAN2). Also called: ATAXIA-OCULOMOTOR APRAXIA 2; Ataxia-ocular apraxia-2; Ataxia with Oculomotor Apraxia; Ataxia with Oculomotor Apraxia Type 2. Identifiers: Orphanet 64753, MedGen C1853761, MONDO:0018996, OMIM 606002.
Amyotrophic lateral sclerosis type 4 (ALS4). Also called: AMYOTROPHIC LATERAL SCLEROSIS 4, JUVENILE; NEURONOPATHY, DISTAL HEREDITARY MOTOR, WITH PYRAMIDAL FEATURES. Identifiers: Orphanet 357043, MedGen C1865409, MONDO:0011223, OMIM 602433.
Hereditary spastic paraplegia. Also called: Familial spastic paraparesis. Identifiers: Orphanet 685, MedGen C0037773, MONDO:0019064. Disease mechanism: loss of function.

Allele frequency attached by ClinVar (database versions not stated): gnomAD exomes 0.00027 and 0.00055; ExAC 0.00062; gnomAD 0.00141 and 0.00143; ESP Exome Variant Server 0.00146; TOPMed 0.00180; 1000 Genomes Project 0.00379; 1000 Genomes Project 30x 0.00390.
gnomAD v4.1: 656 of 1,611,682 alleles (0.041%); highest among the groups gnomAD compares: African/African-American, 0.53%; 5 homozygotes.

Submissions (11):

CeGaT Center for Human Genetics Tuebingen
Classification: Likely benign. Last evaluated: 2026-08-01. Review status: criteria provided, single submitter. Criteria: CeGaT Center For Human Genetics Tuebingen Variant Classification Criteria Version 2. Collection method: clinical testing. Allele origin: germline. Affected: yes. Observed: 4 variant alleles.
Comment: SETX: BP4, BP7

Labcorp Genetics (formerly Invitae), Labcorp
Classification: Benign for Amyotrophic lateral sclerosis type 4; Spinocerebellar ataxia, autosomal recessive, with axonal neuropathy 2. Last evaluated: 2026-01-16. Review status: criteria provided, single submitter. Criteria: Invitae Variant Classification Sherloc (09022015). Collection method: clinical testing. Allele origin: germline.

Ambry Genetics
Classification: Likely benign for Inborn genetic diseases. Last evaluated: 2025-08-08. Review status: criteria provided, single submitter. Criteria: Ambry Variant Classification Scheme 2023. Collection method: clinical testing. Allele origin: germline.

Mayo Clinic Laboratories, Mayo Clinic
Classification: Benign. Last evaluated: 2024-10-14. Review status: criteria provided, single submitter. Criteria: ACMG Guidelines, 2015. Collection method: clinical testing. Allele origin: germline. Observed: 5 variant alleles.
Comment: BS1, BS2

Blueprint Genetics
Classification: Likely benign. Last evaluated: 2024-09-23. Review status: criteria provided, single submitter. Criteria: ACMG Guidelines, 2015. Collection method: clinical testing. Allele origin: germline.

Genome-Nilou Lab
Classification: Likely benign for Spinocerebellar ataxia, autosomal recessive, with axonal neuropathy 2. Last evaluated: 2023-02-08. Review status: criteria provided, single submitter. Criteria: ACMG Guidelines, 2015. Collection method: clinical testing. Allele origin: germline.

Genome-Nilou Lab
Classification: Likely benign for Amyotrophic lateral sclerosis type 4. Last evaluated: 2023-02-08. Review status: criteria provided, single submitter. Criteria: ACMG Guidelines, 2015. Collection method: clinical testing. Allele origin: germline.

Athena Diagnostics
Classification: Benign. Last evaluated: 2021-03-03. Review status: criteria provided, single submitter. Criteria: Athena Diagnostics criteria. Collection method: clinical testing. Allele origin: unknown.

Genome Diagnostics Laboratory, The Hospital for Sick Children
Classification: Likely benign for Hereditary spastic paraplegia. Last evaluated: 2019-06-01. Review status: criteria provided, single submitter. Criteria: ACMG Guidelines, 2015. Collection method: clinical testing. Allele origin: germline. Affected: yes.

ARUP Laboratories, Molecular Genetics and Genomics, ARUP Laboratories
Classification: Benign. Last evaluated: 2017-01-31. Review status: criteria provided, single submitter. Criteria: ARUP Molecular Germline Variant Investigation Process. Collection method: clinical testing. Allele origin: germline.

Breakthrough Genomics
Classification: Likely benign. Review status: criteria provided, single submitter. Criteria: ACMG Guidelines, 2015. Collection method: not provided. Allele origin: germline. Inheritance: Autosomal recessive inheritance. Affected: yes.

NM_015046.7(SETX):c.7101A>G (p.Gly2367=)

Gene: SETX (senataxin; minus strand). Cytogenetic location: 9q34.13.
Variant type: single nucleotide variant.
Coding change: c.7101A>G on transcript NM_015046.7 (MANE Select); coding-DNA position 7101, A replaced by G.
Protein change: p.Gly2367=; no amino-acid change (glycine 2367 retained).
Molecular consequence: synonymous variant.
Genome position (GRCh38, 1-based): chr9:132,271,808, T>C on the plus strand (A>G on the coding strand, the complement: SETX is on the minus strand). VCF-style: chr9-132271808-T-C. GRCh37 (hg19) VCF-style: chr9-135147195-T-C.
Other names: p.Gly2367=; c.7101A>G, p.Gly2367= (NM_001351527.2, NM_001351528.2).
Identifiers: ClinVar variation 440266 (VCV000440266.52), dbSNP rs79233884, ClinGen allele CA5296501.